The following is an entry in ClinVar:

ClinVar aggregate classification (germline): Pathogenic. Review status: reviewed by expert panel (3 of 4 stars). 3 submissions from 3 submitters: Pathogenic (1). 2 of the submissions do not count toward it. Last evaluated 2016-10-18.

Conditions:
Hereditary breast ovarian cancer syndrome. Also called: Hereditary breast and ovarian cancer syndrome; Hereditary breast and ovarian cancer; Hereditary breast and ovarian cancer syndrome (HBOC); Breast and ovarian cancer; Hereditary breast and/or ovarian cancer syndrome; BRCA1- and BRCA2-Associated Hereditary Breast and Ovarian Cancer. Identifiers: Orphanet 145, MedGen C0677776, MeSH D061325, MONDO:0003582. Disease mechanism: loss of function.
Breast-ovarian cancer, familial, susceptibility to, 2 (BROVCA2). Also called: BRCA2 Hereditary Breast and Ovarian Cancer. Identifiers: Orphanet 145, MedGen C2675520, MONDO:0012933, OMIM 612555. Disease mechanism: loss of function.

Submissions (3):

Evidence-based Network for the Interpretation of Germline Mutant Alleles (ENIGMA)
Classification: Pathogenic for Breast-ovarian cancer, familial, susceptibility to, 2. Last evaluated: 2016-10-18. Review status: reviewed by expert panel. Criteria: ENIGMA BRCA1/2 Classification Criteria (2015). Collection method: curation. Allele origin: germline.
Comment: Variant allele predicted to encode a truncated non-functional protein.

Labcorp Genetics (formerly Invitae), Labcorp
Classification: Pathogenic for Hereditary breast ovarian cancer syndrome. Last evaluated: 2023-03-20. Review status: criteria provided, single submitter. Criteria: Invitae Variant Classification Sherloc (09022015). Collection method: clinical testing. Allele origin: germline. Not counted in ClinVar's aggregate classification.
Comment: This sequence change creates a premature translational stop signal (p.Asn235Ilefs*6) in the BRCA2 gene. It is expected to result in an absent or disrupted protein product. Loss-of-function variants in BRCA2 are known to be pathogenic (PMID: 20104584). This variant is not present in population databases (gnomAD no frequency). This variant has not been reported in the literature in individuals affected with BRCA2-related conditions. ClinVar contains an entry for this variant (Variation ID: 52252). For these reasons, this variant has been classified as Pathogenic.

Consortium of Investigators of Modifiers of BRCA1/2 (CIMBA), c/o University of Cambridge
Classification: Pathogenic for Breast-ovarian cancer, familial, susceptibility to, 2. Last evaluated: 2015-10-02. Review status: criteria provided, single submitter. Criteria: CIMBA Mutation Classification guidelines May 2016. Collection method: clinical testing. Allele origin: germline. Not counted in ClinVar's aggregate classification.

Literature cited by the submitters: PubMed 20104584 (cited by Labcorp Genetics (formerly Invitae), Labcorp).

NM_000059.4(BRCA2):c.702del (p.Asn235fs)

Gene: BRCA2 (BRCA2 DNA repair associated; plus strand). Cytogenetic location: 13q13.1.
Variant type: Deletion.
Coding change: c.702del on transcript NM_000059.4 (MANE Select); coding-DNA position 702, one base deleted (C; older notation c.702delC).
Protein change: p.Asn235fs; shifts the reading frame from asparagine 235.
Molecular consequence: frameshift variant.
Genome position (GRCh38, 1-based): chr13:32,330,939, C deleted; the last of 2 consecutive C bases (chr13:32,330,938-32,330,939); deleting either gives the same sequence. VCF-style (leftmost placement, unchanged base first): chr13-32330937-TC-T. GRCh37 (hg19) VCF-style: chr13-32905074-TC-T.
Other names: 0930delC-ter240; c.702delC (NM_000059.3).
Identifiers: ClinVar variation 52252 (VCV000052252.11), dbSNP rs397507892, ClinGen allele CA024773.